The following is an entry in ClinVar:

ClinVar aggregate classification (germline): Conflicting classifications of pathogenicity. Review status: criteria provided, conflicting classifications (1 of 4 stars). 9 submissions from 9 submitters: Uncertain significance (6); Likely benign (3). Last evaluated 2026-03-01.

Conditions:
Retinal dystrophy. Also called: Inherited retinal dystrophy. Identifiers: Orphanet 71862, MedGen C0854723, MeSH D058499, MONDO:0019118, HP:0000556.
Hereditary spastic paraplegia. Also called: Familial spastic paraparesis. Identifiers: Orphanet 685, MedGen C0037773, MONDO:0019064. Disease mechanism: loss of function.
Hereditary spastic paraplegia 7 (SPG7). Also called: Spastic paraplegia 7; Hereditary spastic paraplegia Paraplegin type; Autosomal recessive spastic paraplegia type 7; SPASTIC PARAPLEGIA 7, AUTOSOMAL RECESSIVE, WITH OR WITHOUT CEREBELLAR ATAXIA; SPG7-related neurologic disorder. Identifiers: Orphanet 99013, MedGen C1846564, MONDO:0011803, OMIM 607259.

Allele frequency attached by ClinVar (database versions not stated): gnomAD 0.00073 and 0.00074; gnomAD exomes 0.00083 and 0.00082; ExAC 0.00098; 1000 Genomes Project 0.00060; 1000 Genomes Project 30x 0.00062; ESP Exome Variant Server 0.00046; TOPMed 0.00083.
gnomAD v4.1: 1,305 of 1,606,910 alleles (0.081%); highest among the groups gnomAD compares: Admixed American, 0.19%; 1 homozygote.

Submissions (9):

CeGaT Center for Human Genetics Tuebingen
Classification: Uncertain significance. Last evaluated: 2026-03-01. Review status: criteria provided, single submitter. Criteria: CeGaT Center For Human Genetics Tuebingen Variant Classification Criteria Version 2. Collection method: clinical testing. Allele origin: germline. Affected: yes. Observed: 6 variant alleles.

Labcorp Genetics (formerly Invitae), Labcorp
Classification: Likely benign for Hereditary spastic paraplegia 7. Last evaluated: 2025-12-09. Review status: criteria provided, single submitter. Criteria: Invitae Variant Classification Sherloc (09022015). Collection method: clinical testing. Allele origin: germline.

Blueprint Genetics
Classification: Likely benign. Last evaluated: 2024-11-19. Review status: criteria provided, single submitter. Criteria: ACMG Guidelines, 2015. Collection method: clinical testing. Allele origin: germline.

Mayo Clinic Laboratories, Mayo Clinic
Classification: Likely benign. Last evaluated: 2022-08-19. Review status: criteria provided, single submitter. Criteria: ACMG Guidelines, 2015. Collection method: clinical testing. Allele origin: germline. Observed: 3 variant alleles.
Comment: BS4

Institute of Human Genetics, Univ. Regensburg, Univ. Regensburg
Classification: Uncertain significance for Retinal dystrophy. Last evaluated: 2022-01-01. Review status: criteria provided, single submitter. Criteria: ACMG Guidelines, 2015. Collection method: clinical testing. Allele origin: germline. Affected: yes.

GeneDx
Classification: Uncertain significance. Last evaluated: 2021-07-08. Review status: criteria provided, single submitter. Criteria: GeneDx Variant Classification Process June 2021. Collection method: clinical testing. Allele origin: germline. Affected: yes.
Comment: Identified as heterozygous without a second variant in SPG7 in several individuals with hereditary spastic paraplegia; in one family, the authors did not consider the variant disease causing as it was absent in at least one affected family member (Elleuch et al., 2006; Arnoldi et al., 2008; Morais et al., 2017).; In silico analysis, which includes protein predictors and evolutionary conservation, supports that this variant does not alter protein structure/function; This variant is associated with the following publications: (PMID: 22571692, 27535533, 28832565, 18200586, 16534102)

Genome Diagnostics Laboratory, The Hospital for Sick Children
Classification: Uncertain significance for Hereditary spastic paraplegia. Last evaluated: 2018-12-01. Review status: criteria provided, single submitter. Criteria: ACMG Guidelines, 2015. Collection method: clinical testing. Allele origin: germline. Affected: yes.

Illumina Laboratory Services, Illumina
Classification: Uncertain significance for Hereditary spastic paraplegia 7. Last evaluated: 2017-04-27. Review status: criteria provided, single submitter. Criteria: ICSL Variant Classification Criteria 13 December 2019. Collection method: clinical testing. Allele origin: germline.
Comment: This variant was observed as part of a predisposition screen in an ostensibly healthy population. A literature search was performed for the gene, cDNA change, and amino acid change (where applicable). Publications were found based on this search. However, the evidence from the literature, in combination with allele frequency data from public databases where available, was not sufficient to rule this variant in or out of causing disease. Therefore, this variant is classified as a variant of unknown significance.

Unit for Genetic & Epidemiological Research on Neurological Disorders, Instituto de Investigação e Inovação em Saúde
Classification: Uncertain significance for Hereditary spastic paraplegia. Last evaluated: 2017-03-07. Review status: criteria provided, single submitter. Criteria: Morais et al. (Eur J Hum Genet. 2017). Collection method: research. Allele origin: unknown. Affected: yes.

Literature cited by the submitters: PubMed 16534102 (cited by Mayo Clinic Laboratories, Mayo Clinic and Illumina Laboratory Services, Illumina); PubMed 18200586 (cited by Mayo Clinic Laboratories, Mayo Clinic); PubMed 28832565 (cited by Mayo Clinic Laboratories, Mayo Clinic); PubMed 39978794 (cited by Mayo Clinic Laboratories, Mayo Clinic).

NM_003119.4(SPG7):c.1933T>A (p.Ser645Thr)

Gene: SPG7 (SPG7 matrix AAA peptidase subunit, paraplegin; plus strand). Cytogenetic location: 16q24.3.
Variant type: single nucleotide variant.
Coding change: c.1933T>A on transcript NM_003119.4 (MANE Select); coding-DNA position 1933, T replaced by A.
Protein change: p.Ser645Thr; replaces serine 645 with threonine.
Molecular consequence: missense variant.
Genome position (GRCh38, 1-based): chr16:89,553,132, T>A. VCF-style: chr16-89553132-T-A. GRCh37 (hg19) VCF-style: chr16-89619540-T-A.
Other names: p.S645T:TCT>ACT; c.1933T>A, p.Ser645Thr (NM_001363850.1); short protein forms S645T.
Identifiers: ClinVar variation 215194 (VCV000215194.59), dbSNP rs2099104, ClinGen allele CA325352.